The following is an entry in ClinVar:

ClinVar aggregate classification (germline): Conflicting classifications of pathogenicity. Review status: criteria provided, conflicting classifications (1 of 4 stars). 3 submissions from 3 submitters: Uncertain significance (2); Likely benign (1). Last evaluated 2026-02-23.

Conditions:
Muscular dystrophy-dystroglycanopathy (congenital with brain and eye anomalies), type A13. Also called: WALKER-WARBURG SYNDROME OR MUSCLE-EYE-BRAIN DISEASE, B3GNT1-RELATED; Muscular dystrophy-dystroglycanopathy (congenital with brain and eye anomalies), type a, 13. Identifiers: Orphanet 899, MedGen C3809042, MONDO:0014120, OMIM 615287.
Inborn genetic diseases. Identifiers: MedGen C0950123, MeSH D030342.

Allele frequency attached by ClinVar (database versions not stated): gnomAD 0.00001.
gnomAD v4.1: 3 of 1,595,426 alleles (0.00019%); highest among the groups gnomAD compares: East Asian, 0.0045%; no homozygotes.

Submissions (3):

Ambry Genetics
Classification: Uncertain significance for Inborn genetic diseases. Last evaluated: 2026-02-23. Review status: criteria provided, single submitter. Criteria: Ambry Variant Classification Scheme 2023. Collection method: clinical testing. Allele origin: germline.
Comment: The c.1056+6C>G intronic alteration consists of a C to G substitution 6 nucleotides after Intron 1 (C) in the B4GAT1 gene. This variant was not reported in population-based cohorts in the Genome Aggregation Database (gnomAD). In silico splice site analysis predicts that this alteration will not have any significant effect on splicing. Based on insufficient or conflicting evidence, the clinical significance of this alteration remains unclear.

Labcorp Genetics (formerly Invitae), Labcorp
Classification: Uncertain significance for Muscular dystrophy-dystroglycanopathy (congenital with brain and eye anomalies), type A13. Last evaluated: 2022-07-12. Review status: criteria provided, single submitter. Criteria: Invitae Variant Classification Sherloc (09022015). Collection method: clinical testing. Allele origin: germline.
Comment: This sequence change falls in intron 1 of the B4GAT1 gene. It does not directly change the encoded amino acid sequence of the B4GAT1 protein. It affects a nucleotide within the consensus splice site. This variant is not present in population databases (gnomAD no frequency). This variant has not been reported in the literature in individuals affected with B4GAT1-related conditions. ClinVar contains an entry for this variant (Variation ID: 507234). Variants that disrupt the consensus splice site are a relatively common cause of aberrant splicing (PMID: 17576681, 9536098). Algorithms developed to predict the effect of sequence changes on RNA splicing suggest that this variant is not likely to affect RNA splicing. In summary, the available evidence is currently insufficient to determine the role of this variant in disease. Therefore, it has been classified as a Variant of Uncertain Significance.

GeneDx
Classification: Likely benign. Last evaluated: 2017-02-06. Review status: criteria provided, single submitter. Criteria: GeneDx Variant Classification (06012015). Collection method: clinical testing. Allele origin: germline. Affected: yes.
Comment: This variant is considered likely benign or benign based on one or more of the following criteria: it is a conservative change, it occurs at a poorly conserved position in the protein, it is predicted to be benign by multiple in silico algorithms, and/or has population frequency not consistent with disease.

Literature cited by the submitters: PubMed 17576681 (cited by Labcorp Genetics (formerly Invitae), Labcorp); PubMed 9536098 (cited by Labcorp Genetics (formerly Invitae), Labcorp).

NM_006876.3(B4GAT1):c.1056+6C>G

Gene: B4GAT1 (beta-1,4-glucuronyltransferase 1; minus strand). Cytogenetic location: 11q13.2.
Variant type: single nucleotide variant.
Coding change: c.1056+6C>G on transcript NM_006876.3 (MANE Select); 6 bases into the intron after coding-DNA position 1056, C replaced by G.
Molecular consequence: intron variant.
Genome position (GRCh38, 1-based): chr11:66,346,484, G>C on the plus strand (C>G on the coding strand, the complement: B4GAT1 is on the minus strand). VCF-style: chr11-66346484-G-C. GRCh37 (hg19) VCF-style: chr11-66113955-G-C.
Identifiers: ClinVar variation 507234 (VCV000507234.6), dbSNP rs1555016387, ClinGen allele CA658797682.